The following is an entry in ClinVar:

NM_014956.5(CEP164):c.381del (p.Ser129fs)

Gene: CEP164 (centrosomal protein 164; plus strand). Cytogenetic location: 11q23.3.
Variant type: Deletion.
Coding change: c.381del on transcript NM_014956.5 (MANE Select); coding-DNA position 381, one base deleted (C; older notation c.381delC).
Protein change: p.Ser129fs; shifts the reading frame from serine 129.
Molecular consequence: frameshift variant.
Genome position (GRCh38, 1-based): chr11:117,351,976, C deleted; the last of 7 consecutive C bases (chr11:117,351,970-117,351,976); deleting any one gives the same sequence. VCF-style (leftmost placement, unchanged base first): chr11-117351969-AC-A. GRCh37 (hg19) VCF-style: chr11-117222685-AC-A.
Other names: c.381del, p.Ser129fs (NM_001271933.2); c.381delC (NM_014956.4); short protein forms S129fs.
Identifiers: ClinVar variation 2016060 (VCV002016060.5), dbSNP rs747914869, ClinGen allele CA2580083496.

ClinVar aggregate classification (germline): Pathogenic/Likely pathogenic. Review status: criteria provided, multiple submitters, no conflicts (2 of 4 stars). 2 submissions from 2 submitters: Pathogenic (1); Likely pathogenic (1). Last evaluated 2024-12-18.

Conditions:
CEP164-related disorder. Also called: CEP164-related condition.
Nephronophthisis 15 (NPHP15). Identifiers: Orphanet 3156, MedGen C3541853, MONDO:0013917, OMIM 614845.

Submissions (2):

PreventionGenetics, part of Exact Sciences
Classification: Likely pathogenic for CEP164-related condition. Last evaluated: 2024-12-18. Review status: criteria provided, single submitter. Criteria: ACMG Guidelines, 2015. Collection method: clinical testing. Allele origin: germline.
Comment: The CEP164 c.381delC variant is predicted to result in a frameshift and premature protein termination (p.Ser129Valfs*9). This variant was reported as de novo in individuals with developmental disorders; however, the contribution of this variant to the patients' phenotypes was not analyzed (supplementary data, Kaplanis et al. 2020. PubMed ID: 33057194, reported as B:11:117222685:AC:A; supplementary data, Zhou et al. 2022. PubMed ID: 35982159). This variant has not been reported in a large population database (gnomAD), indicating this variant is rare. Frameshift variants in CEP164 are expected to be pathogenic for autosomal recessive CEP164-related disease. This variant is interpreted as likely pathogenic for autosomal recessive CEP164-related disease.

Labcorp Genetics (formerly Invitae), Labcorp
Classification: Pathogenic for Nephronophthisis 15. Last evaluated: 2024-06-03. Review status: criteria provided, single submitter. Criteria: Invitae Variant Classification Sherloc (09022015). Collection method: clinical testing. Allele origin: germline.
Comment: This sequence change creates a premature translational stop signal (p.Ser129Valfs*9) in the CEP164 gene. It is expected to result in an absent or disrupted protein product. Loss-of-function variants in CEP164 are known to be pathogenic (PMID: 22863007, 28125082, 32367404, 34132027, 34499853). This variant is not present in population databases (gnomAD no frequency). This variant has not been reported in the literature in individuals affected with CEP164-related conditions. ClinVar contains an entry for this variant (Variation ID: 2016060). For these reasons, this variant has been classified as Pathogenic.

Literature cited by the submitters: PubMed 22863007 (cited by Labcorp Genetics (formerly Invitae), Labcorp); PubMed 28125082 (cited by Labcorp Genetics (formerly Invitae), Labcorp); PubMed 32367404 (cited by Labcorp Genetics (formerly Invitae), Labcorp); PubMed 34132027 (cited by Labcorp Genetics (formerly Invitae), Labcorp); PubMed 34499853 (cited by Labcorp Genetics (formerly Invitae), Labcorp).